The following is an entry in ClinVar:

ClinVar aggregate classification (germline): Pathogenic (1 of 4 stars; one submission).

Submission:

Labcorp Genetics (formerly Invitae), Labcorp
Classification: Pathogenic. Last evaluated: 2024-11-26. Review status: criteria provided, single submitter. Criteria: Invitae Variant Classification Sherloc (09022015). Collection method: clinical testing. Allele origin: germline.
Comment: This sequence change affects a donor splice site in intron 14 of the ENPP1 gene. It is expected to disrupt RNA splicing. Variants that disrupt the donor or acceptor splice site typically lead to a loss of protein function (PMID: 16199547), and loss-of-function variants in ENPP1 are known to be pathogenic (PMID: 12881724, 15605415, 16369898, 20016754, 20137773, 22539483). This variant is not present in population databases (gnomAD no frequency). Disruption of this splice site has been observed in individuals with autosomal recessive ENPP1-related conditions (PMID: 36150100; internal data). Algorithms developed to predict the effect of sequence changes on RNA splicing suggest that this variant may disrupt the consensus splice site. For these reasons, this variant has been classified as Pathogenic.

Literature cited by the submitters: PubMed 16199547; PubMed 12881724; PubMed 15605415; PubMed 16369898; PubMed 20016754; PubMed 20137773; PubMed 22539483; PubMed 36150100.

NM_006208.3(ENPP1):c.1437+1G>C

Gene: ENPP1 (ectonucleotide pyrophosphatase/phosphodiesterase 1; plus strand). Cytogenetic location: 6q23.2.
Variant type: single nucleotide variant.
Coding change: c.1437+1G>C on transcript NM_006208.3 (MANE Select); the canonical splice donor site of the intron after coding-DNA position 1437, G replaced by C.
Molecular consequence: splice donor variant.
Genome position (GRCh38, 1-based): chr6:131,872,102, G>C. VCF-style: chr6-131872102-G-C. GRCh37 (hg19) VCF-style: chr6-132193242-G-C.
Identifiers: ClinVar variation 3721267 (VCV003721267.2).